The following is an entry in ClinVar:

NM_000132.4(F8):c.923C>G (p.Ser308Trp)

Gene: F8 (coagulation factor VIII; minus strand). Cytogenetic location: Xq28.
Variant type: single nucleotide variant.
Coding change: c.923C>G on transcript NM_000132.4 (MANE Select); coding-DNA position 923, C replaced by G.
Protein change: p.Ser308Trp; replaces serine 308 with tryptophan.
Molecular consequence: missense variant.
Genome position (GRCh38, 1-based): chrX:154,969,417, G>C on the plus strand (C>G on the coding strand, the complement: F8 is on the minus strand). VCF-style: chrX-154969417-G-C. GRCh37 (hg19) VCF-style: chrX-154197692-G-C.
Other names: NM_000132.4:c.923C>G; short protein forms S308W.
Identifiers: ClinVar variation 3390361 (VCV003390361.1).

ClinVar aggregate classification (germline): Likely pathogenic (3 of 4 stars; one submission).

Conditions:
Hereditary factor VIII deficiency disease (HEMA). Also called: HEMOPHILIA, CLASSIC; AUTOSOMAL HEMOPHILIA A; Hemophilia A; Hemophilia A, congenital; HEM A; Factor 8 deficiency, congenital. Identifiers: Orphanet 98878, MedGen C0019069, MONDO:0010602, OMIM 306700.

Submission:

ClinGen Coagulation Factor Deficiency Variant Curation Expert Panel, Clingen
Classification: Likely pathogenic for Hereditary factor VIII deficiency disease. Last evaluated: 2024-12-06. Review status: reviewed by expert panel. Criteria: ClinGen CoagFactor ACMG Specifications F8 V1.0.0. Collection method: curation. Allele origin: germline. Inheritance: X-linked inheritance.
Comment: The c.923C>G (p.Ser308Trp) variant is absent from males in population databases (gnomAD v2.1.1/gnomAD v3). This missense variant has a REVEL score of 0.857 (>0.6), meeting criteria for PP3. This variant has been reported in one individual with mild hemophilia A (PMID: 29296726). Two probands with hemophilia A meets criteria for PS4_Moderate. Ser308Leu, a variant at the same residue, has been classified as pathogenic by the CFD-VCEP, meeting criteria for PM5. In summary, based on the evidence available at this time, the clinical significance of this variant is likely pathogenic. ACMG/AMP criteria applied, as specified by the Coagulation Factor Deficiency Variant Curation Expert Panel for F8/F9: PM5, PS4_Moderate, PP3, PM2_Supporting.